The following is an entry in ClinVar:

ClinVar aggregate classification (germline): Uncertain significance. Review status: criteria provided, multiple submitters, no conflicts (2 of 4 stars). 3 submissions from 3 submitters: Uncertain significance (3). Last evaluated 2025-09-23.

Conditions:
Aortic aneurysm, familial thoracic 4 (AAT4). Also called: AORTIC ANEURYSM/AORTIC DISSECTION AND PATENT DUCTUS ARTERIOSUS. Identifiers: MedGen C1851504, MONDO:0007568, OMIM 132900.
Familial thoracic aortic aneurysm and aortic dissection (TAAD). Also called: Thoracic aortic aneurysms and dissections. Identifiers: Orphanet 91387, MedGen C4707243, MONDO:0019625.

Allele frequency attached by ClinVar (database versions not stated): TOPMed below 0.00001.

Submissions (3):

Labcorp Genetics (formerly Invitae), Labcorp
Classification: Uncertain significance for Aortic aneurysm, familial thoracic 4. Last evaluated: 2025-09-23. Review status: criteria provided, single submitter. Criteria: Invitae Variant Classification Sherloc (09022015). Collection method: clinical testing. Allele origin: germline.
Comment: This sequence change replaces alanine, which is neutral and non-polar, with serine, which is neutral and polar, at codon 1083 of the MYH11 protein (p.Ala1083Ser). This variant is not present in population databases (gnomAD no frequency). This variant has not been reported in the literature in individuals affected with MYH11-related conditions. ClinVar contains an entry for this variant (Variation ID: 1003973). Invitae Evidence Modeling of protein sequence and biophysical properties (such as structural, functional, and spatial information, amino acid conservation, physicochemical variation, residue mobility, and thermodynamic stability) indicates that this missense variant is not expected to disrupt MYH11 protein function with a negative predictive value of 95%. In summary, the available evidence is currently insufficient to determine the role of this variant in disease. Therefore, it has been classified as a Variant of Uncertain Significance.

Ambry Genetics
Classification: Uncertain significance for Familial thoracic aortic aneurysm and aortic dissection. Last evaluated: 2022-12-16. Review status: criteria provided, single submitter. Criteria: Ambry Variant Classification Scheme 2023. Collection method: clinical testing. Allele origin: germline.
Comment: The p.A1076S variant (also known as c.3226G>T), located in coding exon 24 of the MYH11 gene, results from a G to T substitution at nucleotide position 3226. The alanine at codon 1076 is replaced by serine, an amino acid with similar properties. This amino acid position is conserved. In addition, the in silico prediction for this alteration is inconclusive. Since supporting evidence is limited at this time, the clinical significance of this alteration remains unclear.

GeneDx
Classification: Uncertain significance. Last evaluated: 2020-12-21. Review status: criteria provided, single submitter. Criteria: GeneDx Variant Classification Process June 2021. Collection method: clinical testing. Allele origin: germline. Affected: yes.
Comment: Has not been previously published as pathogenic or benign to our knowledge; Not observed in large population cohorts (Lek et al., 2016); In silico analysis supports that this missense variant does not alter protein structure/function

NM_002474.3(MYH11):c.3226G>T (p.Ala1076Ser)

Gene: MYH11 (myosin heavy chain 11; minus strand). Cytogenetic location: 16p13.11.
Variant type: single nucleotide variant.
Coding change: c.3226G>T on transcript NM_002474.3 (MANE Select); coding-DNA position 3226, G replaced by T.
Protein change: p.Ala1076Ser; replaces alanine 1076 with serine.
Molecular consequence: missense variant.
Genome position (GRCh38, 1-based): chr16:15,737,516, C>A on the plus strand (G>T on the coding strand, the complement: MYH11 is on the minus strand). VCF-style: chr16-15737516-C-A. GRCh37 (hg19) VCF-style: chr16-15831373-C-A.
Other names: c.3247G>T, p.Ala1083Ser (NM_001040113.2, NM_001040114.2); c.3226G>T, p.Ala1076Ser (NM_022844.3); short protein forms A1076S, A1083S.
Identifiers: ClinVar variation 1003973 (VCV001003973.12), dbSNP rs1229749917, ClinGen allele CA394862999.